The following is an entry in ClinVar:

ClinVar aggregate classification (germline): Likely pathogenic (1 of 4 stars; one submission).

Submission:

GeneDx
Classification: Likely pathogenic. Last evaluated: 2018-12-03. Review status: criteria provided, single submitter. Criteria: GeneDx Variant Classification (06012015). Collection method: clinical testing. Allele origin: germline. Affected: yes.
Comment: The c.1240dupA variant in the ARHGEF9 gene has not been reported previously as a pathogenic variant nor as a benign variant, to our knowledge. The c.1240dupA variant causes a frameshift starting with codon Isoleucine 414, changes this amino acid to a Asparagine residue, and creates a premature Stop codon at position 18 of the new reading frame, denoted p.Ile414AsnfsX18. This variant is predicted to cause loss of normal protein function either through protein truncation or nonsense-mediated mRNA decay. The c.1240dupA variant is not observed in large population cohorts (Lek et al., 2016). We interpret c.1240dupA as a likely pathogenic variant.

NM_001353921.2(ARHGEF9):c.1261dup (p.Ile421fs)

Gene: ARHGEF9 (Cdc42 guanine nucleotide exchange factor 9; minus strand). Cytogenetic location: Xq11.1.
Variant type: Duplication.
Coding change: c.1261dup on transcript NM_001353921.2 (MANE Select); coding-DNA position 1261, one base duplicated (A; older notation c.1261dupA).
Protein change: p.Ile421fs; shifts the reading frame from isoleucine 421.
Molecular consequence: frameshift variant. On other transcripts: intron variant (2).
Genome position (GRCh38, 1-based): chrX:63,655,554, T duplicated on the plus strand (A on the coding strand, the reverse complement: ARHGEF9 is on the minus strand); the first of 6 consecutive T bases (chrX:63,655,554-63,655,559); duplicating any one gives the same sequence. VCF-style (leftmost placement, unchanged base first): chrX-63655553-A-AT. GRCh37 (hg19) VCF-style: chrX-62875433-A-AT.
Other names: c.1081dup, p.Ile361fs (NM_001173479.2); c.934dup, p.Ile312fs (NM_001173480.2, NM_001369042.1); c.1177dup, p.Ile393fs (NM_001330495.2, NM_001369033.1, NM_001369034.1 and 4 more transcripts); c.1129dup, p.Ile377fs (NM_001353922.2); c.1279dup, p.Ile427fs (NM_001353923.1); c.1060dup, p.Ile354fs (NM_001353924.2, NM_001353926.2, NM_001369039.1 and 1 more transcripts); c.1045dup, p.Ile349fs (NM_001353927.2, NM_001369041.1); c.1108dup, p.Ile370fs (NM_001353928.2); and 3 more; short protein forms I377fs, I421fs, I349fs, I370fs, I414fs, I427fs, I232fs, I393fs.
Identifiers: ClinVar variation 817341 (VCV000817341.1), dbSNP rs1602253507, ClinGen allele CA645606748.